The following is an entry in ClinVar:

ClinVar aggregate classification (germline): Likely pathogenic (1 of 4 stars; one submission).

Conditions:
Usher syndrome type 2A. Also called: RETINAL DISEASE IN USHER SYNDROME TYPE IIA, MODIFIER OF; USHER SYNDROME, TYPE IIA. Identifiers: Orphanet 231178, Orphanet 886, MedGen C1848634, MONDO:0010169, OMIM 276901.

Submission:

Natera, Inc.
Classification: Likely pathogenic for Usher syndrome type 2A. Last evaluated: 2025-07-07. Review status: criteria provided, single submitter. Criteria: Natera Variant Classification Schema (03/2026). Collection method: clinical testing. Allele origin: germline.
Comment: The c.13476dup variant in USH2A is a frameshift variant predicted to shift the reading frame beginning at codon 4493 and leads to a stop codon 4 codons downstream. This variant is expected to result in nonsense mediated decay, truncation, or a dysfunctional protein product. This variant is rare in the general population with a frequency below the threshold expected for the associated phenotype(s). Given the available evidence, this variant is classified as Likely Pathogenic.

NM_206933.4(USH2A):c.13476dup (p.Arg4493fs)

Gene: USH2A (usherin; minus strand). Cytogenetic location: 1q41.
Variant type: Duplication.
Coding change: c.13476dup on transcript NM_206933.4 (MANE Select); coding-DNA position 13476, one base duplicated (A; older notation c.13476dupA).
Protein change: p.Arg4493fs; shifts the reading frame from arginine 4493.
Molecular consequence: frameshift variant.
Genome position (GRCh38, 1-based): chr1:215,674,435, T duplicated on the plus strand (A on the coding strand, the reverse complement: USH2A is on the minus strand). VCF-style (leftmost placement, unchanged base first): chr1-215674434-G-GT. GRCh37 (hg19) VCF-style: chr1-215847776-G-GT.
Other names: short protein forms R4493fs.
Identifiers: ClinVar variation 4817092 (VCV004817092.1).
Genomic context (GRCh38, chr1:215,674,434, plus strand): 5'-TGCTGGCAGTTACTGTGTAGCTATACTCCACACCTGGGGTGAGAGTAAAATCACGATAGC[G>GT]TGTTTCCAAGCCTGTATATACAATGGTTCCATCCCTCCTAAGTTCATAACTTCTGATCTG-3'